The following is an entry in ClinVar:

NM_001458.5(FLNC):c.5208C>G (p.Asp1736Glu)

Gene: FLNC (filamin C; plus strand). Cytogenetic location: 7q32.1.
Variant type: single nucleotide variant.
Coding change: c.5208C>G on transcript NM_001458.5 (MANE Select); coding-DNA position 5208, C replaced by G.
Protein change: p.Asp1736Glu; replaces aspartic acid 1736 with glutamic acid.
Molecular consequence: missense variant. On other transcripts: intron variant (1).
Genome position (GRCh38, 1-based): chr7:128,849,984, C>G. VCF-style: chr7-128849984-C-G. GRCh37 (hg19) VCF-style: chr7-128490038-C-G.
Other names: c.5200-400C>G (NM_001127487.2); short protein forms D1736E.
Identifiers: ClinVar variation 3907710 (VCV003907710.2).
Genomic context (GRCh38, chr7:128,849,984, plus strand): 5'-CCTAGGCCTGTGAGGCTGCCACACCCTGTGCCCCCGTGCCTTGCCTCCCCAGGCGTGTGA[C>G]CCCCTGCCGCACGAGGAGGAGCCCTCTGAAGTGCCACAGCTGCGCCAGCCCTACGCTCCT-3'
Protein context (NP_001449.3, residues 1726-1746): PNSPFHVLAC[Asp1736Glu]PLPHEEEPSE

ClinVar aggregate classification (germline): Uncertain significance. Review status: criteria provided, multiple submitters, no conflicts (2 of 4 stars). 2 submissions from 2 submitters: Uncertain significance (2). Last evaluated 2025-06-14.

Conditions:
Distal myopathy with posterior leg and anterior hand involvement. Also called: WILLIAMS DISTAL MYOPATHY. Identifiers: Orphanet 63273, MedGen C3279722, MONDO:0013550, OMIM 614065.
Hypertrophic cardiomyopathy 26. Also called: Cardiomyopathy, familial hypertrophic, 26. Identifiers: Orphanet 75249, MedGen C4310749, MONDO:0014883, OMIM 617047.
Myofibrillar myopathy 5. Also called: Filaminopathy (type); FILAMINOPATHY, AUTOSOMAL DOMINANT. Identifiers: Orphanet 171445, MedGen C1836050, MONDO:0012289, OMIM 609524.

Submissions (2):

Labcorp Genetics (formerly Invitae), Labcorp
Classification: Uncertain significance for Distal myopathy with posterior leg and anterior hand involvement; Myofibrillar myopathy 5; Hypertrophic cardiomyopathy 26. Last evaluated: 2025-06-14. Review status: criteria provided, single submitter. Criteria: Invitae Variant Classification Sherloc (09022015). Collection method: clinical testing. Allele origin: germline.
Comment: This sequence change replaces aspartic acid, which is acidic and polar, with glutamic acid, which is acidic and polar, at codon 1736 of the FLNC protein (p.Asp1736Glu). This variant is not present in population databases (gnomAD no frequency). This variant has not been reported in the literature in individuals affected with FLNC-related conditions. Invitae Evidence Modeling of protein sequence and biophysical properties (such as structural, functional, and spatial information, amino acid conservation, physicochemical variation, residue mobility, and thermodynamic stability) indicates that this missense variant is not expected to disrupt FLNC protein function with a negative predictive value of 95%. In summary, the available evidence is currently insufficient to determine the role of this variant in disease. Therefore, it has been classified as a Variant of Uncertain Significance.

GeneDx
Classification: Uncertain significance. Last evaluated: 2024-12-30. Review status: criteria provided, single submitter. Criteria: GeneDx Variant Classification Process June 2021. Collection method: clinical testing. Allele origin: germline. Affected: yes.
Comment: Not observed at significant frequency in large population cohorts (gnomAD); In silico analysis indicates that this missense variant does not alter protein structure/function; Has not been previously published as pathogenic or benign to our knowledge